The following is an entry in ClinVar:

NM_138295.5(PKD1L1):c.3442+10T>C

Gene: PKD1L1 (polycystin 1 like 1, transient receptor potential channel interacting; minus strand). Cytogenetic location: 7p12.3.
Variant type: single nucleotide variant.
Coding change: c.3442+10T>C on transcript NM_138295.5 (MANE Select); 10 bases into the intron after coding-DNA position 3442, T replaced by C.
Molecular consequence: intron variant.
Genome position (GRCh38, 1-based): chr7:47,881,899, A>G on the plus strand (T>C on the coding strand, the complement: PKD1L1 is on the minus strand). VCF-style: chr7-47881899-A-G. GRCh37 (hg19) VCF-style: chr7-47921497-A-G.
Identifiers: ClinVar variation 3355558 (VCV003355558.1).

ClinVar aggregate classification (germline): Likely benign (0 of 4 stars; one submission).

Conditions:
PKD1L1-related disorder. Also called: PKD1L1-related condition.

Submission:

PreventionGenetics, part of Exact Sciences
Classification: Likely benign for PKD1L1-related condition. Last evaluated: 2024-08-06. Review status: no assertion criteria provided. Collection method: clinical testing. Allele origin: germline.
Comment: This variant is classified as likely benign based on ACMG/AMP sequence variant interpretation guidelines (Richards et al. 2015 PMID: 25741868, with internal and published modifications).